The following is an entry in ClinVar:

ClinVar aggregate classification (germline): Uncertain significance (1 of 4 stars; one submission).

Allele frequency attached by ClinVar (database versions not stated): gnomAD exomes below 0.00001; TOPMed below 0.00001; ExAC 0.00002.
gnomAD v4.1: 6 of 1,613,760 alleles (0.00037%); highest among the groups gnomAD compares: East Asian, 0.011%; no homozygotes.

Submission:

Labcorp Genetics (formerly Invitae), Labcorp
Classification: Uncertain significance. Last evaluated: 2022-06-26. Review status: criteria provided, single submitter. Criteria: Invitae Variant Classification Sherloc (09022015). Collection method: clinical testing. Allele origin: germline.
Comment: This sequence change replaces asparagine, which is neutral and polar, with aspartic acid, which is acidic and polar, at codon 470 of the COQ8A protein (p.Asn470Asp). This variant is present in population databases (rs760617836, gnomAD 0.03%). This variant has not been reported in the literature in individuals affected with COQ8A-related conditions. Advanced modeling of protein sequence and biophysical properties (such as structural, functional, and spatial information, amino acid conservation, physicochemical variation, residue mobility, and thermodynamic stability) performed at Invitae indicates that this missense variant is not expected to disrupt COQ8A protein function. In summary, the available evidence is currently insufficient to determine the role of this variant in disease. Therefore, it has been classified as a Variant of Uncertain Significance.

NM_020247.5(COQ8A):c.1408A>G (p.Asn470Asp)

Gene: COQ8A (coenzyme Q8A; plus strand). Cytogenetic location: 1q42.13.
Variant type: single nucleotide variant.
Coding change: c.1408A>G on transcript NM_020247.5 (MANE Select); coding-DNA position 1408, A replaced by G.
Protein change: p.Asn470Asp; replaces asparagine 470 with aspartic acid.
Molecular consequence: missense variant.
Genome position (GRCh38, 1-based): chr1:226,984,557, A>G. VCF-style: chr1-226984557-A-G. GRCh37 (hg19) VCF-style: chr1-227172258-A-G.
Other names: short protein forms N470D.
Identifiers: ClinVar variation 2113133 (VCV002113133.1), dbSNP rs760617836, ClinGen allele CA1425485.
Genomic context (GRCh38, chr1:226,984,557, plus strand): 5'-GCACCAGGCAGTGTGGTGCTGCCTGACACAGACCCTTCGCGCTGTCCACAGATCTGCTAC[A>G]ACATCCTGGTTCTGTGCCTGAGGGAGCTGTTCGAGTTCCACTTCATGCAAACAGACCCCA-3'
Protein context (NP_064632.2, residues 460-480): SQEIRNEICY[Asn470Asp]ILVLCLRELF